The following is an entry in ClinVar:

NM_001035.3(RYR2):c.11171T>G (p.Leu3724Arg)

Gene: RYR2 (ryanodine receptor 2; plus strand). Cytogenetic location: 1q43.
Variant type: single nucleotide variant.
Coding change: c.11171T>G on transcript NM_001035.3 (MANE Select); coding-DNA position 11171, T replaced by G.
Protein change: p.Leu3724Arg; replaces leucine 3724 with arginine.
Molecular consequence: missense variant.
Genome position (GRCh38, 1-based): chr1:237,756,313, T>G. VCF-style: chr1-237756313-T-G. GRCh37 (hg19) VCF-style: chr1-237919613-T-G.
Other names: short protein forms L3724R.
Identifiers: ClinVar variation 1023581 (VCV001023581.10), dbSNP rs1692948283, ClinGen allele CA345425808.

ClinVar aggregate classification (germline): Uncertain significance (1 of 4 stars; one submission).

Conditions:
Catecholaminergic polymorphic ventricular tachycardia 1. Also called: RYR2-Related Catecholaminergic Polymorphic Ventricular Tachycardia; VENTRICULAR TACHYCARDIA, CATECHOLAMINERGIC POLYMORPHIC, 1, WITH OR WITHOUT ATRIAL DYSFUNCTION AND/OR DILATED CARDIOMYOPATHY; VENTRICULAR TACHYCARDIA, STRESS-INDUCED POLYMORPHIC 1. Identifiers: Orphanet 3286, MedGen C1631597, MONDO:0011484, OMIM 604772.

Submission:

Labcorp Genetics (formerly Invitae), Labcorp
Classification: Uncertain significance for Catecholaminergic polymorphic ventricular tachycardia 1. Last evaluated: 2020-07-20. Review status: criteria provided, single submitter. Criteria: Invitae Variant Classification Sherloc (09022015). Collection method: clinical testing. Allele origin: germline.
Comment: In summary, the available evidence is currently insufficient to determine the role of this variant in disease. Therefore, it has been classified as a Variant of Uncertain Significance. Advanced modeling of protein sequence and biophysical properties (such as structural, functional, and spatial information, amino acid conservation, physicochemical variation, residue mobility, and thermodynamic stability) performed at Invitae indicates that this missense variant is expected to disrupt RYR2 protein function. This variant has not been reported in the literature in individuals with RYR2-related conditions. This variant is not present in population databases (ExAC no frequency). This sequence change replaces leucine with arginine at codon 3724 of the RYR2 protein (p.Leu3724Arg). The leucine residue is highly conserved and there is a moderate physicochemical difference between leucine and arginine.